The following is an entry in ClinVar:

ClinVar aggregate classification (germline): Conflicting classifications of pathogenicity. Review status: criteria provided, conflicting classifications (1 of 4 stars). 4 submissions from 4 submitters: Uncertain significance (1); Likely benign (2). 1 of the submissions does not count toward it. Last evaluated 2025-12-02.

Conditions:
Oxoglutaricaciduria. Identifiers: Orphanet 31, MedGen C2752074, MONDO:0008759, OMIM 203740.
OGDH-related disorder. Also called: OGDH-related condition.

Allele frequency attached by ClinVar (database versions not stated): 1000 Genomes Project 0.00020; 1000 Genomes Project 30x 0.00062; gnomAD 0.00153; ExAC 0.00158; TOPMed 0.00177; ESP Exome Variant Server 0.00231.
gnomAD v4.1: 3,110 of 1,614,146 alleles (0.19%); highest among the groups gnomAD compares: Non-Finnish European, 0.24%; 2 homozygotes.

Submissions (4):

Labcorp Genetics (formerly Invitae), Labcorp
Classification: Likely benign for Oxoglutaricaciduria. Last evaluated: 2025-12-02. Review status: criteria provided, single submitter. Criteria: Invitae Variant Classification Sherloc (09022015). Collection method: clinical testing. Allele origin: germline.

Ambry Genetics
Classification: Uncertain significance. Last evaluated: 2025-08-22. Review status: criteria provided, single submitter. Criteria: Ambry Variant Classification Scheme 2023. Collection method: clinical testing. Allele origin: germline.

Blueprint Genetics
Classification: Likely benign. Last evaluated: 2024-11-22. Review status: criteria provided, single submitter. Criteria: ACMG Guidelines, 2015. Collection method: clinical testing. Allele origin: germline.

PreventionGenetics, part of Exact Sciences
Classification: Likely benign for OGDH-related condition. Last evaluated: 2024-06-19. Review status: no assertion criteria provided. Collection method: clinical testing. Allele origin: germline. Not counted in ClinVar's aggregate classification.
Comment: This variant is classified as likely benign based on ACMG/AMP sequence variant interpretation guidelines (Richards et al. 2015 PMID: 25741868, with internal and published modifications).

NM_002541.4(OGDH):c.2458A>T (p.Asn820Tyr)

Gene: OGDH (oxoglutarate dehydrogenase; plus strand). Cytogenetic location: 7p13.
Variant type: single nucleotide variant.
Coding change: c.2458A>T on transcript NM_002541.4 (MANE Select); coding-DNA position 2458, A replaced by T.
Protein change: p.Asn820Tyr; replaces asparagine 820 with tyrosine.
Molecular consequence: missense variant.
Genome position (GRCh38, 1-based): chr7:44,700,168, A>T. VCF-style: chr7-44700168-A-T. GRCh37 (hg19) VCF-style: chr7-44739767-A-T.
Other names: c.2491A>T (NM_001363523.1); c.2446A>T, p.Asn816Tyr (NM_001165036.2); c.2491A>T, p.Asn831Tyr (NM_001363523.2); short protein forms N820Y, N816Y, N831Y.
Identifiers: ClinVar variation 770374 (VCV000770374.13), dbSNP rs151001666, ClinGen allele CA4244115.